The following is an entry in ClinVar:

NM_001843.4(CNTN1):c.227+7T>C

Gene: CNTN1 (contactin 1; plus strand). Cytogenetic location: 12q12.
Variant type: single nucleotide variant.
Coding change: c.227+7T>C on transcript NM_001843.4 (MANE Select); 7 bases into the intron after coding-DNA position 227, T replaced by C.
Molecular consequence: intron variant.
Genome position (GRCh38, 1-based): chr12:40,918,778, T>C. VCF-style: chr12-40918778-T-C. GRCh37 (hg19) VCF-style: chr12-41312580-T-C.
Other names: c.227+7T>C (NM_001256063.2, NM_001256064.2); c.194+7T>C (NM_175038.2).
Identifiers: ClinVar variation 3057569 (VCV003057569.2), dbSNP rs2499347815, ClinGen allele CA2618329069.

ClinVar aggregate classification (germline): Likely benign (0 of 4 stars; one submission).

Conditions:
CNTN1-related disorder. Also called: CNTN1-related condition.

gnomAD v4.1: 2 of 1,613,524 alleles (0.00012%); highest among the groups gnomAD compares: Non-Finnish European, 0.00017%; no homozygotes.

Submission:

PreventionGenetics, part of Exact Sciences
Classification: Likely benign for CNTN1-related condition. Last evaluated: 2019-03-21. Review status: no assertion criteria provided. Collection method: clinical testing. Allele origin: germline.
Comment: This variant is classified as likely benign based on ACMG/AMP sequence variant interpretation guidelines (Richards et al. 2015 PMID: 25741868, with internal and published modifications).